The following is an entry in ClinVar:

ClinVar aggregate classification (germline): Uncertain significance (1 of 4 stars; one submission).

Conditions:
Hereditary cancer-predisposing syndrome. Also called: Neoplastic Syndromes, Hereditary; Tumor predisposition; Hereditary Cancer Syndrome; Hereditary neoplastic syndrome. Identifiers: Orphanet 140162, MedGen C0027672, MeSH D009386, MONDO:0015356.

Submission:

Ambry Genetics
Classification: Uncertain significance for Hereditary cancer-predisposing syndrome. Last evaluated: 2026-01-05. Review status: criteria provided, single submitter. Criteria: Ambry Variant Classification Scheme 2023. Collection method: clinical testing. Allele origin: germline.
Comment: The c.1429_1434delAAAGAA variant (also known as p.K477_E478del) is located in coding exon 12 of the TSC1 gene. This variant results from an in-frame AAAGAA deletion at nucleotide positions 1429 to 1434. This results in the in-frame deletion of 2 residues at codons 477 through 478. This amino acid region is well conserved in available vertebrate species. In addition, the in silico prediction for this variant is inconclusive (Choi Y et al. PLoS ONE. 2012; 7(10):e46688). Based on the available evidence, the clinical significance of this variant remains unclear.

NM_000368.5(TSC1):c.1429_1434del (p.Lys477_Glu478del)

Gene: TSC1 (TSC complex subunit 1; minus strand). Cytogenetic location: 9q34.13.
Variant type: Deletion.
Coding change: c.1429_1434del on transcript NM_000368.5 (MANE Select); coding-DNA positions 1429 to 1434, 6 bases deleted (AAAGAA; older notation c.1429_1434delAAAGAA).
Protein change: p.Lys477_Glu478del.
Molecular consequence: non-coding transcript variant (on NR_176214.1).
Genome position (GRCh38, 1-based): chr9:132,906,735-132,906,740, TTCTTT deleted on the plus strand (AAAGAA on the coding strand, the reverse complement: TSC1 is on the minus strand). VCF-style (leftmost placement, unchanged base first): chr9-132906734-CTTCTTT-C. GRCh37 (hg19) VCF-style: chr9-135782121-CTTCTTT-C.
Other names: c.1063_1068del, p.Lys355_Glu356del (NM_001406621.1, NM_001406622.1, NM_001406623.1 and 2 more transcripts); c.1066_1071del, p.Lys356_Glu357del (NM_001406624.1, NM_001362177.2, NM_001406614.1 and 5 more transcripts); c.478_483del, p.Lys160_Glu161del (NM_001406626.1); c.475_480del, p.Lys159_Glu160del (NM_001406627.1, NM_001406628.1); c.376_381del, p.Lys126_Glu127del (NM_001406629.1, NM_001406630.1); c.1426_1431del, p.Lys476_Glu477del (NM_001162426.2, NM_001406597.1, NM_001406598.1 and 6 more transcripts); c.1276_1281del, p.Lys426_Glu427del (NM_001162427.2, NM_001406610.1); c.1429_1434del, p.Lys477_Glu478del (NM_001406592.1, NM_001406593.1, NM_001406594.1 and 7 more transcripts); and 1 more.
Identifiers: ClinVar variation 4825423 (VCV004825423.1).